The following is an entry in ClinVar:

ClinVar aggregate classification (germline): Benign (1 of 4 stars; one submission).

Conditions:
Al-Raqad syndrome. Identifiers: MedGen C4085595, MONDO:0014648, OMIM 616459.

Submission:

Molecular Genetics, Royal Melbourne Hospital
Classification: Benign for Al-Raqad syndrome. Last evaluated: 2023-05-04. Review status: criteria provided, single submitter. Criteria: ACMG Guidelines, 2015. Collection method: clinical testing. Allele origin: germline. Affected: no.
Comment: South Asian population allele frequency is 3.731% (rs201095573,1185/30256 alleles, 32 homozygotes in gnomAD v2.1). Based on the classification scheme RMH Modified ACMG/AMP Guidelines v1.5.1, this variant is classified as BENIGN. Following criteria are met: BA1

NM_014026.6(DCPS):c.219GGATGG[3] (p.Gly77_Glu78insAspGly)

Gene: DCPS (decapping enzyme, scavenger; plus strand). Cytogenetic location: 11q24.2.
Variant type: Microsatellite.
Coding change: c.219GGATGG[3] on transcript NM_014026.6 (MANE Select); three copies in a row of the 6-base unit GGATGG starting at c.219; the reference has two copies in a row; one copy, 6 bases duplicated.
Protein change: p.Gly77_Glu78insAspGly.
Molecular consequence: inframe insertion.
Genome position (GRCh38, 1-based): chr11:126,306,593-126,306,598, GGATGG duplicated; duplicating any 6 consecutive bases within chr11:126,306,584-126,306,598 gives the same sequence; the position shown is the placement nearest the transcript's 3' end. VCF-style (leftmost placement, unchanged base first): chr11-126306583-C-CTGGGGA. GRCh37 (hg19) VCF-style: chr11-126176478-C-CTGGGGA.
Other names: c.240GGATGG[3], p.Gly84_Glu85insAspGly (NM_001350236.2); c.225_230dupGGATGG (NM_014026.6).
Identifiers: ClinVar variation 3068672 (VCV003068672.1), dbSNP rs201095573, ClinGen allele CA6354924.